The following is an entry in ClinVar:

NM_014159.7(SETD2):c.538T>G (p.Ser180Ala)

Gene: SETD2 (SET domain containing 2, histone lysine methyltransferase; minus strand). Cytogenetic location: 3p21.31.
Variant type: single nucleotide variant.
Coding change: c.538T>G on transcript NM_014159.7 (MANE Select); coding-DNA position 538, T replaced by G.
Protein change: p.Ser180Ala; replaces serine 180 with alanine.
Molecular consequence: missense variant. On other transcripts: non-coding transcript variant (1).
Genome position (GRCh38, 1-based): chr3:47,124,098, A>C on the plus strand (T>G on the coding strand, the complement: SETD2 is on the minus strand). VCF-style: chr3-47124098-A-C. GRCh37 (hg19) VCF-style: chr3-47165588-A-C.
Other names: c.406T>G, p.Ser136Ala (NM_001349370.3); short protein forms S180A, S136A.
Identifiers: ClinVar variation 542229 (VCV000542229.6), dbSNP rs1318754770, ClinGen allele CA352536304.

ClinVar aggregate classification (germline): Uncertain significance. Review status: criteria provided, multiple submitters, no conflicts (2 of 4 stars). 2 submissions from 2 submitters: Uncertain significance (2). Last evaluated 2022-10-31.

Conditions:
Luscan-Lumish syndrome. Identifiers: Orphanet 597738, MedGen C4085873, MONDO:0014791, OMIM 616831.
SETD2-related disorder.

Allele frequency attached by ClinVar (database versions not stated): gnomAD 0.00001; TOPMed 0.00002.
gnomAD v4.1: 6 of 1,551,818 alleles (0.00039%); highest among the groups gnomAD compares: Non-Finnish European, 0.00052%; no homozygotes.

Submissions (2):

PreventionGenetics, part of Exact Sciences
Classification: Uncertain significance for SETD2-related condition. Last evaluated: 2022-10-31. Review status: criteria provided, single submitter. Criteria: ACMG Guidelines, 2015. Collection method: clinical testing. Allele origin: germline.
Comment: The SETD2 c.538T>G variant is predicted to result in the amino acid substitution p.Ser180Ala. To our knowledge, this variant has not been reported in the literature or in a large population database, indicating this variant is rare. At this time, the clinical significance of this variant is uncertain due to the absence of conclusive functional and genetic evidence.

Labcorp Genetics (formerly Invitae), Labcorp
Classification: Uncertain significance for Luscan-Lumish syndrome. Last evaluated: 2018-01-22. Review status: criteria provided, single submitter. Criteria: Invitae Variant Classification Sherloc (09022015). Collection method: clinical testing. Allele origin: germline.
Comment: In summary, the available evidence is currently insufficient to determine the role of this variant in disease. Therefore, it has been classified as a Variant of Uncertain Significance. Algorithms developed to predict the effect of missense changes on protein structure and function (SIFT, PolyPhen-2, Align-GVGD) all suggest that this variant is likely to be tolerated, but these predictions have not been confirmed by published functional studies and their clinical significance is uncertain. This variant has not been reported in the literature in individuals with SETD2-related disease. This variant is not present in population databases (ExAC no frequency). This sequence change replaces serine with alanine at codon 180 of the SETD2 protein (p.Ser180Ala). The serine residue is weakly conserved and there is a moderate physicochemical difference between serine and alanine.